The following is an entry in ClinVar:

ClinVar aggregate classification (germline): Uncertain significance. Review status: criteria provided, multiple submitters, no conflicts (2 of 4 stars). 5 submissions from 5 submitters: Uncertain significance (4). 1 of the submissions does not count toward it. Last evaluated 2025-12-02.

Conditions:
Autosomal recessive limb-girdle muscular dystrophy type 2A (LGMDR1). Also called: LEYDEN-MOEBIUS MUSCULAR DYSTROPHY; MUSCULAR DYSTROPHY, PELVOFEMORAL; Limb-girdle muscular dystrophy, type 2A; Muscular dystrophy, limb-girdle, type 2A, Amish; Calpainopathy. Identifiers: Orphanet 267, MedGen C1869123, MONDO:0009675, OMIM 253600. Disease mechanism: loss of function.
Inborn genetic diseases. Identifiers: MedGen C0950123, MeSH D030342.

Allele frequency attached by ClinVar (database versions not stated): gnomAD 0.00001 and 0.00003; gnomAD exomes 0.00003 and 0.00007; TOPMed 0.00003; ExAC 0.00006.

Submissions (5):

Ambry Genetics
Classification: Uncertain significance for Inborn genetic diseases. Last evaluated: 2025-12-02. Review status: criteria provided, single submitter. Criteria: Ambry Variant Classification Scheme 2023. Collection method: clinical testing. Allele origin: germline.

Labcorp Genetics (formerly Invitae), Labcorp
Classification: Uncertain significance for Autosomal recessive limb-girdle muscular dystrophy type 2A. Last evaluated: 2025-09-10. Review status: criteria provided, single submitter. Criteria: Invitae Variant Classification Sherloc (09022015). Collection method: clinical testing. Allele origin: germline.
Comment: This sequence change replaces leucine, which is neutral and non-polar, with phenylalanine, which is neutral and non-polar, at codon 703 of the CAPN3 protein (p.Leu703Phe). This variant is present in population databases (rs751443759, gnomAD 0.03%). This missense change has been observed in individual(s) with clinical features of muscular dystrophy (PMID: 35157181, 36703223). ClinVar contains an entry for this variant (Variation ID: 965655). Invitae Evidence Modeling of protein sequence and biophysical properties (such as structural, functional, and spatial information, amino acid conservation, physicochemical variation, residue mobility, and thermodynamic stability) indicates that this missense variant is expected to disrupt CAPN3 protein function with a positive predictive value of 80%. In summary, the available evidence is currently insufficient to determine the role of this variant in disease. Therefore, it has been classified as a Variant of Uncertain Significance.

GeneDx
Classification: Uncertain significance. Last evaluated: 2025-02-12. Review status: criteria provided, single submitter. Criteria: GeneDx Variant Classification Process June 2021. Collection method: clinical testing. Allele origin: germline. Affected: yes.
Comment: Reported as a heterozygous variant of uncertain significance in an individual with truncal weakness (PMID: 36703223); In silico analysis supports that this missense variant has a deleterious effect on protein structure/function; This variant is associated with the following publications: (PMID: 35157181, 36703223)

Dubai Health Genomic Medicine Center, Dubai Health
Classification: Uncertain significance. Last evaluated: 2022-12-17. Review status: criteria provided, single submitter. Criteria: ACMG Guidelines, 2015. Collection method: clinical testing. Allele origin: germline. Affected: yes.

Natera, Inc.
Classification: Uncertain significance for Limb-girdle muscular dystrophy type 2A. Last evaluated: 2020-02-13. Review status: no assertion criteria provided. Collection method: clinical testing. Allele origin: germline. Not counted in ClinVar's aggregate classification.

Literature cited by the submitters: PubMed 35157181 (cited by Labcorp Genetics (formerly Invitae), Labcorp); PubMed 36703223 (cited by Labcorp Genetics (formerly Invitae), Labcorp).

NM_000070.3(CAPN3):c.2107C>T (p.Leu703Phe)

Gene: CAPN3 (calpain 3; plus strand). Cytogenetic location: 15q15.1.
Variant type: single nucleotide variant.
Coding change: c.2107C>T on transcript NM_000070.3 (MANE Select); coding-DNA position 2107, C replaced by T.
Protein change: p.Leu703Phe; replaces leucine 703 with phenylalanine.
Molecular consequence: missense variant.
Genome position (GRCh38, 1-based): chr15:42,409,987, C>T. VCF-style: chr15-42409987-C-T. GRCh37 (hg19) VCF-style: chr15-42702185-C-T.
Other names: c.2089C>T, p.Leu697Phe (NM_024344.2); c.1831C>T, p.Leu611Phe (NM_173087.2); c.571C>T, p.Leu191Phe (NM_173088.2); c.112C>T, p.Leu38Phe (NM_173089.2, NM_173090.2); short protein forms L38F, L611F, L697F, L703F, L191F.
Identifiers: ClinVar variation 965655 (VCV000965655.12), dbSNP rs751443759, ClinGen allele CA7511712.
Genomic context (GRCh38, chr15:42,409,987, plus strand): 5'-CCAGACAAGGACCTGAAGACACACGGGTTCACACTGGAGTCCTGCCGTAGCATGATTGCG[C>T]TCATGGATGTATCCTTCCTGCCGCCCCTTCCCGACCCTCTGTCATCAGCCCACGGGGGCC-3'
Protein context (NP_000061.1, residues 693-713): TLESCRSMIA[Leu703Phe]MDTDGSGKLN